The following is an entry in ClinVar:

NM_031935.3(HMCN1):c.7423T>G (p.Leu2475Val)

Gene: HMCN1 (hemicentin 1; plus strand). Cytogenetic location: 1q31.1.
Variant type: single nucleotide variant.
Coding change: c.7423T>G on transcript NM_031935.3 (MANE Select); coding-DNA position 7423, T replaced by G.
Protein change: p.Leu2475Val; replaces leucine 2475 with valine.
Molecular consequence: missense variant.
Genome position (GRCh38, 1-based): chr1:186,061,961, T>G. VCF-style: chr1-186061961-T-G. GRCh37 (hg19) VCF-style: chr1-186031093-T-G.
Other names: short protein forms L2475V.
Identifiers: ClinVar variation 1986016 (VCV001986016.4), dbSNP rs372194947, ClinGen allele CA1292822.
Genomic context (GRCh38, chr1:186,061,961, plus strand): 5'-TATACTTGCGTTGTAAGGAATGCAGCTGGTGAAGAAAGAAAAATCTTTGGGCTTTCAGTA[T>G]TAGGTACTTATATAGTTTGCAATATCTAGAAGAAACTTAAATTGCCTTAAATCCTGGAAG-3'
Protein context (NP_114141.2, residues 2465-2485): EERKIFGLSV[Leu2475Val]VPPHIVGENT

ClinVar aggregate classification (germline): Uncertain significance (1 of 4 stars; one submission).

Allele frequency attached by ClinVar (database versions not stated): gnomAD exomes below 0.00001; gnomAD 0.00001; ExAC 0.00002; ESP Exome Variant Server 0.00008.
gnomAD v4.1: 3 of 1,571,474 alleles (0.00019%); highest among the groups gnomAD compares: Non-Finnish European, 0.00026%; no homozygotes.

Submission:

Labcorp Genetics (formerly Invitae), Labcorp
Classification: Uncertain significance. Last evaluated: 2024-09-27. Review status: criteria provided, single submitter. Criteria: Invitae Variant Classification Sherloc (09022015). Collection method: clinical testing. Allele origin: germline.
Comment: This sequence change replaces leucine, which is neutral and non-polar, with valine, which is neutral and non-polar, at codon 2475 of the HMCN1 protein (p.Leu2475Val). This variant is present in population databases (rs372194947, gnomAD 0.002%). This variant has not been reported in the literature in individuals affected with HMCN1-related conditions. ClinVar contains an entry for this variant (Variation ID: 1986016). An algorithm developed to predict the effect of missense changes on protein structure and function (PolyPhen-2) suggests that this variant is likely to be disruptive. Algorithms developed to predict the effect of sequence changes on RNA splicing suggest that this variant may disrupt the consensus splice site. In summary, the available evidence is currently insufficient to determine the role of this variant in disease. Therefore, it has been classified as a Variant of Uncertain Significance.